The following is an entry in ClinVar:

ClinVar aggregate classification (germline): Pathogenic (1 of 4 stars; one submission).

Conditions:
Familial cancer of breast. Also called: BREAST CANCER, FAMILIAL; Hereditary breast cancer; hereditary breast carcinoma. Identifiers: Orphanet 227535, MedGen C0346153, MONDO:0016419, OMIM 114480. Disease mechanism: loss of function.

Submission:

Myriad Genetics, Inc.
Classification: Pathogenic for Familial cancer of breast. Last evaluated: 2023-05-25. Review status: criteria provided, single submitter. Criteria: Myriad Autosomal Dominant, Autosomal Recessive and X-Linked Classification Criteria (2023). Collection method: clinical testing. Allele origin: unknown.
Comment: This variant is considered pathogenic. This variant creates a termination codon and is predicted to result in premature protein truncation.

NM_000051.4(ATM):c.8555dup (p.Tyr2852Ter)

Genes: ATM (ATM serine/threonine kinase; plus strand), C11orf65 (chromosome 11 open reading frame 65; minus strand). Cytogenetic location: 11q22.3.
Variant type: Duplication.
Coding change: c.8555dup on transcript NM_000051.4 (MANE Select); coding-DNA position 8555, one base duplicated (A; older notation c.8555dupA).
Protein change: p.Tyr2852Ter; replaces tyrosine 2852 with a stop codon.
Molecular consequence: nonsense. On other transcripts: intron variant (2).
Genome position (GRCh38, 1-based): chr11:108,345,879, A duplicated. VCF-style (leftmost placement, unchanged base first): chr11-108345878-T-TA. GRCh37 (hg19) VCF-style: chr11-108216605-T-TA.
Other names: c.8555dup, p.Tyr2852Ter (NM_001351834.2); c.641-36808dup (NM_001330368.2); c.695-10587dup (NM_001351110.2); short protein forms Y2852*.
Identifiers: ClinVar variation 2583833 (VCV002583833.1), dbSNP rs2547445789, ClinGen allele CA2582342468.
Genomic context (GRCh38, chr11:108,345,878, plus strand): 5'-CGTTACTTCTGCATGGAAAAATTCTTGGATCCAGCTATTTGGTTTGAGAAGCGATTGGCT[T>TA]ATACGCGCAGTGTAGCTACTTCTTCTATTGGTAATCTTCTTGTACATATAGTAGATTGAG-3'